The following is an entry in ClinVar:

NM_000433.4(NCF2):c.-129T>C

Gene: NCF2 (neutrophil cytosolic factor 2; minus strand). Cytogenetic location: 1q25.3.
Variant type: single nucleotide variant.
Coding change: c.-129T>C on transcript NM_000433.4 (MANE Select); 129 bases upstream of the start codon, T replaced by C.
Molecular consequence: 5 prime UTR variant. On other transcripts: intron variant (1).
Genome position (GRCh38, 1-based): chr1:183,590,458, A>G on the plus strand (T>C on the coding strand, the complement: NCF2 is on the minus strand). VCF-style: chr1-183590458-A-G. GRCh37 (hg19) VCF-style: chr1-183559593-A-G.
Other names: c.-129T>C (NM_001190789.2, NM_001190794.2); c.-30-99T>C (NM_001127651.3).
Identifiers: ClinVar variation 875388 (VCV000875388.7), dbSNP rs34501573, ClinGen allele CA1285100.

ClinVar aggregate classification (germline): Benign/Likely benign. Review status: criteria provided, multiple submitters, no conflicts (2 of 4 stars). 3 submissions from 3 submitters: Benign (1); Likely benign (2). Last evaluated 2018-10-16.

Conditions:
Granulomatous disease, chronic, autosomal recessive, cytochrome b-positive, type 2. Also called: GRANULOMATOUS DISEASE, CHRONIC, DUE TO NCF2 DEFICIENCY; CGD, AUTOSOMAL RECESSIVE CYTOCHROME b-POSITIVE, TYPE II; GRANULOMATOUS DISEASE, CHRONIC, AUTOSOMAL RECESSIVE, 2; Chronic granulomatous disease due to deficiency of NCF-2; Chronic Granulomatous Disease, Autosomal Recessive, Cytochrome b-Positive, Type II. Identifiers: Orphanet 379, MedGen C1856245, MONDO:0009310, OMIM 233710.

Allele frequency attached by ClinVar (database versions not stated): gnomAD exomes 0.00131 and 0.00264; ExAC 0.00356; gnomAD 0.01131 and 0.01213; 1000 Genomes Project 0.01318; TOPMed 0.01334; 1000 Genomes Project 30x 0.01452.
gnomAD v4.1: 2,861 of 971,954 alleles (0.29%); highest among the groups gnomAD compares: African/African-American, 4%; 48 homozygotes.

Submissions (3):

GeneDx
Classification: Likely benign. Last evaluated: 2018-10-16. Review status: criteria provided, single submitter. Criteria: GeneDx Variant Classification Process June 2021. Collection method: clinical testing. Allele origin: germline. Affected: yes.

Illumina Laboratory Services, Illumina
Classification: Benign for Granulomatous disease, chronic, autosomal recessive, cytochrome b-positive, type 2. Last evaluated: 2018-01-12. Review status: criteria provided, single submitter. Criteria: ICSL Variant Classification Criteria 13 December 2019. Collection method: clinical testing. Allele origin: germline.
Comment: This variant was observed in the ICSL laboratory as part of a predisposition screen in an ostensibly healthy population. It had not been previously curated by ICSL or reported in the Human Gene Mutation Database (HGMD: prior to June 1st, 2018), and was therefore a candidate for classification through an automated scoring system. Utilizing variant allele frequency, disease prevalence and penetrance estimates, and inheritance mode, an automated score was calculated to assess if this variant is too frequent to cause the disease. Based on the score and internal cut-off values, a variant classified as benign is not then subjected to further curation. The score for this variant resulted in a classification of benign for this disease.

Breakthrough Genomics
Classification: Likely benign. Review status: criteria provided, single submitter. Criteria: ACMG Guidelines, 2015. Collection method: not provided. Allele origin: germline. Inheritance: Autosomal recessive inheritance. Affected: yes.